The following is an entry in ClinVar:

ClinVar aggregate classification (germline): Uncertain significance (1 of 4 stars; one submission).

Conditions:
Immunodeficiency 51 (IMD51). Also called: CANDIDIASIS, FAMILIAL, 5. Identifiers: Orphanet 1334, MedGen C4310803, MONDO:0013500, OMIM 613953.

Allele frequency attached by ClinVar (database versions not stated): ExAC 0.00001; gnomAD 0.00001.
gnomAD v4.1: 4 of 1,610,860 alleles (0.00025%); highest among the groups gnomAD compares: African/African-American, 0.0027%; no homozygotes.

Submission:

Labcorp Genetics (formerly Invitae), Labcorp
Classification: Uncertain significance for Immunodeficiency 51. Last evaluated: 2021-03-26. Review status: criteria provided, single submitter. Criteria: Invitae Variant Classification Sherloc (09022015). Collection method: clinical testing. Allele origin: germline.
Comment: This sequence change replaces valine with isoleucine at codon 500 of the IL17RA protein (p.Val500Ile). The valine residue is moderately conserved and there is a small physicochemical difference between valine and isoleucine. This variant is present in population databases (rs762369642, ExAC 0.002%). This variant has not been reported in the literature in individuals with IL17RA-related conditions. Algorithms developed to predict the effect of missense changes on protein structure and function output the following: SIFT: "Tolerated"; PolyPhen-2: "Benign"; Align-GVGD: "Class C0". The isoleucine amino acid residue is found in multiple mammalian species, suggesting that this missense change does not adversely affect protein function. These predictions have not been confirmed by published functional studies and their clinical significance is uncertain. In summary, the available evidence is currently insufficient to determine the role of this variant in disease. Therefore, it has been classified as a Variant of Uncertain Significance.

NM_014339.7(IL17RA):c.1498G>A (p.Val500Ile)

Gene: IL17RA (interleukin 17 receptor A; plus strand). Cytogenetic location: 22q11.1.
Variant type: single nucleotide variant.
Coding change: c.1498G>A on transcript NM_014339.7 (MANE Select); coding-DNA position 1498, G replaced by A.
Protein change: p.Val500Ile; replaces valine 500 with isoleucine.
Molecular consequence: missense variant.
Genome position (GRCh38, 1-based): chr22:17,108,717, G>A. VCF-style: chr22-17108717-G-A. GRCh37 (hg19) VCF-style: chr22-17589607-G-A.
Other names: c.1396G>A, p.Val466Ile (NM_001289905.2); short protein forms V500I, V466I.
Identifiers: ClinVar variation 1476329 (VCV001476329.8), dbSNP rs762369642, ClinGen allele CA10086769.